The following is an entry in ClinVar:

NM_007294.4(BRCA1):c.3491G>T (p.Ser1164Ile)

Genes: BRCA1 (BRCA1 DNA repair associated; minus strand), LOC126862571 (BRD4-independent group 4 enhancer GRCh37_chr17:41243136-41244335; plus strand). Cytogenetic location: 17q21.31.
Variant type: single nucleotide variant.
Coding change: c.3491G>T on transcript NM_007294.4 (MANE Select); coding-DNA position 3491, G replaced by T.
Protein change: p.Ser1164Ile; replaces serine 1164 with isoleucine.
Molecular consequence: missense variant. On other transcripts: intron variant (135).
Genome position (GRCh38, 1-based): chr17:43,092,040, C>A on the plus strand (G>T on the coding strand, the complement: BRCA1 is on the minus strand). VCF-style: chr17-43092040-C-A. GRCh37 (hg19) VCF-style: chr17-41244057-C-A.
Other names: c.3488G>T, p.Ser1163Ile (NM_001407634.1, NM_001407635.1, NM_001407636.1 and 22 more transcripts); c.3491G>T, p.Ser1164Ile (NM_001407639.1, NM_001407640.1, NM_001407641.1 and 30 more transcripts); c.3482G>T, p.Ser1161Ile (NM_001407646.1, NM_001407647.1); c.3368G>T, p.Ser1123Ile (NM_001407648.1, NM_001407664.1, NM_001407665.1 and 19 more transcripts); c.3365G>T, p.Ser1122Ile (NM_001407649.1, NM_001407670.1, NM_001407671.1 and 11 more transcripts); c.3413G>T, p.Ser1138Ile (NM_001407653.1, NM_001407654.1, NM_001407655.1 and 4 more transcripts); c.3410G>T, p.Ser1137Ile (NM_001407659.1, NM_001407660.1, NM_001407661.1 and 1 more transcripts); c.3350G>T, p.Ser1117Ile (NM_001407692.1, NM_001407694.1, NM_001407695.1 and 29 more transcripts); and 41 more; short protein forms S1164I, S1117I, S1052I, S1096I, S1097I, S1137I, S1053I, S1122I.
Identifiers: ClinVar variation 54900 (VCV000054900.16), dbSNP rs397509075, ClinGen allele CA002249.

ClinVar aggregate classification (germline): Conflicting classifications of pathogenicity. Review status: criteria provided, conflicting classifications (1 of 4 stars). 5 submissions from 5 submitters: Uncertain significance (3); Likely benign (1). 1 of the submissions does not count toward it. Last evaluated 2023-03-23.

Conditions:
Hereditary cancer-predisposing syndrome. Also called: Neoplastic Syndromes, Hereditary; Hereditary neoplastic syndrome; Tumor predisposition; Hereditary Cancer Syndrome. Identifiers: Orphanet 140162, MedGen C0027672, MeSH D009386, MONDO:0015356.
Hereditary breast ovarian cancer syndrome. Also called: Breast and ovarian cancer; Hereditary breast and ovarian cancer syndrome (HBOC); Hereditary breast and ovarian cancer syndrome; Hereditary breast and/or ovarian cancer syndrome; Hereditary breast and ovarian cancer; BRCA1- and BRCA2-Associated Hereditary Breast and Ovarian Cancer. Identifiers: Orphanet 145, MedGen C0677776, MeSH D061325, MONDO:0003582. Disease mechanism: loss of function.
Familial cancer of breast. Also called: BREAST CANCER, FAMILIAL; Hereditary breast cancer; hereditary breast carcinoma. Identifiers: Orphanet 227535, MedGen C0346153, MONDO:0016419, OMIM 114480. Disease mechanism: loss of function.

Allele frequency attached by ClinVar (database versions not stated): gnomAD exomes below 0.00001.

Submissions (5):

University of Washington Department of Laboratory Medicine, University of Washington
Classification: Likely benign for Hereditary cancer-predisposing syndrome. Last evaluated: 2023-03-23. Review status: criteria provided, single submitter. Criteria: Dines et al. (Genet Med. 2020). Collection method: curation. Allele origin: germline.
Comment: Missense variant in a coldspot region where missense variants are very unlikely to be pathogenic (PMID:31911673).

BRCA1 coldspot (exon 11 using historical exon numbering). Reclassification based on statistical prior probability

Ambry Genetics
Classification: Uncertain significance for Hereditary cancer-predisposing syndrome. Last evaluated: 2021-08-24. Review status: criteria provided, single submitter. Criteria: Ambry Variant Classification Scheme 2023. Collection method: clinical testing. Allele origin: germline.
Comment: The p.S1164I variant (also known as c.3491G>T), located in coding exon 9 of the BRCA1 gene, results from a G to T substitution at nucleotide position 3491. The serine at codon 1164 is replaced by isoleucine, an amino acid with dissimilar properties. This amino acid position is not well conserved in available vertebrate species. In addition, this alteration is predicted to be deleterious by in silico analysis. Since supporting evidence is limited at this time, the clinical significance of this alteration remains unclear.

Labcorp Genetics (formerly Invitae), Labcorp
Classification: Uncertain significance for Hereditary breast ovarian cancer syndrome. Last evaluated: 2021-08-22. Review status: criteria provided, single submitter. Criteria: Invitae Variant Classification Sherloc (09022015). Collection method: clinical testing. Allele origin: germline.
Comment: Experimental studies are conflicting or provide insufficient evidence to determine the effect of this variant on BRCA1 function (PMID: 18680205, 19493677). This variant is not present in population databases (ExAC no frequency). This missense change has been observed in individual(s) with breast cancer and ovarian cancer (PMID: 18680205, 25896959). ClinVar contains an entry for this variant (Variation ID: 54900). Algorithms developed to predict the effect of missense changes on protein structure and function are either unavailable or do not agree on the potential impact of this missense change (SIFT: "Deleterious"; PolyPhen-2: "Benign"; Align-GVGD: "Class C0"). This sequence change replaces serine with isoleucine at codon 1164 of the BRCA1 protein (p.Ser1164Ile). The serine residue is highly conserved and there is a large physicochemical difference between serine and isoleucine. In summary, the available evidence is currently insufficient to determine the role of this variant in disease. Therefore, it has been classified as a Variant of Uncertain Significance.

Color Diagnostics, LLC DBA Color Health
Classification: Uncertain significance for Hereditary cancer-predisposing syndrome. Last evaluated: 2019-04-08. Review status: criteria provided, single submitter. Criteria: ACMG Guidelines, 2015. Collection method: clinical testing. Allele origin: germline.

ClinVar Staff, National Center for Biotechnology Information (NCBI)
No classification provided. Condition: Familial cancer of breast. Review status: no classification provided. Collection method: literature only. Allele origin: germline. Affected: yes. Not counted in ClinVar's aggregate classification.

Literature cited by the submitters: PubMed 18680205 (cited by Labcorp Genetics (formerly Invitae), Labcorp and ClinVar Staff, National Center for Biotechnology Information (NCBI)); PubMed 19493677 (cited by Labcorp Genetics (formerly Invitae), Labcorp); PubMed 25896959 (cited by Labcorp Genetics (formerly Invitae), Labcorp).